The following is an entry in ClinVar:

NM_005751.5(AKAP9):c.4519G>C (p.Asp1507His)

Gene: AKAP9 (A-kinase anchoring protein 9; plus strand). Cytogenetic location: 7q21.2.
Variant type: single nucleotide variant.
Coding change: c.4519G>C on transcript NM_005751.5 (MANE Select); coding-DNA position 4519, G replaced by C.
Protein change: p.Asp1507His; replaces aspartic acid 1507 with histidine.
Molecular consequence: missense variant.
Genome position (GRCh38, 1-based): chr7:92,038,599, G>C. VCF-style: chr7-92038599-G-C. GRCh37 (hg19) VCF-style: chr7-91667913-G-C.
Other names: c.4519G>C, p.Asp1507His (NM_147185.3); short protein forms D1507H.
Identifiers: ClinVar variation 191554 (VCV000191554.26), dbSNP rs34086871, ClinGen allele CA199858.
Genomic context (GRCh38, chr7:92,038,599, plus strand): 5'-TATTTTAATGAAATGAAATTATCACAGGATCAAATTGGTTTTCAGACTTTTGAGACAGTG[G>C]ATGTGAAATTTAAAGAAGAATTTAAACCACTTAGTAAAGAGTTAGGAGAACATGGAAAGG-3'
Protein context (NP_005742.4, residues 1497-1517): QIGFQTFETV[Asp1507His]VKFKEEFKPL

ClinVar aggregate classification (germline): Benign/Likely benign. Review status: criteria provided, multiple submitters, no conflicts (2 of 4 stars). 10 submissions from 10 submitters: Benign (6); Likely benign (3). 1 of the submissions does not count toward it. Last evaluated 2026-01-26.

Conditions:
Cardiovascular phenotype. Identifiers: MedGen CN230736.
AKAP9-related disorder. Also called: AKAP9-related condition.
Long QT syndrome (LQTS). Identifiers: MedGen C0023976, MeSH D008133, MONDO:0002442. Disease mechanism: loss of function. Inheritance: Various modes of inheritance.
Cardiomyopathy (CMYO). Also called: Cardiomyopathies. Identifiers: Orphanet 167848, MedGen C0878544, MONDO:0004994, HP:0001638. Inheritance: Various modes of inheritance.
Long QT syndrome 11 (LQT11). Identifiers: Orphanet 101016, Orphanet 768, MedGen C2678483, MONDO:0012738, OMIM 611820.

Allele frequency attached by ClinVar (database versions not stated): gnomAD exomes 0.00077; ExAC 0.00093; gnomAD 0.00244 and 0.00262; TOPMed 0.00284; 1000 Genomes Project 30x 0.00312; 1000 Genomes Project 0.00319; ESP Exome Variant Server 0.00431.
gnomAD v4.1: 704 of 1,613,820 alleles (0.044%); highest among the groups gnomAD compares: African/African-American, 0.83%; 4 homozygotes.

Submissions (10):

Labcorp Genetics (formerly Invitae), Labcorp
Classification: Benign for Long QT syndrome. Last evaluated: 2026-01-26. Review status: criteria provided, single submitter. Criteria: Invitae Variant Classification Sherloc (09022015). Collection method: clinical testing. Allele origin: germline.

Blueprint Genetics
Classification: Likely benign. Last evaluated: 2024-08-28. Review status: criteria provided, single submitter. Criteria: ACMG Guidelines, 2015. Collection method: clinical testing. Allele origin: germline.

Genome-Nilou Lab
Classification: Benign for Long QT syndrome 11. Last evaluated: 2021-12-05. Review status: criteria provided, single submitter. Criteria: ACMG Guidelines, 2015. Collection method: clinical testing. Allele origin: germline. Affected: no.

Women's Health and Genetics/Laboratory Corporation of America, LabCorp
Classification: Benign. Last evaluated: 2020-07-20. Review status: criteria provided, single submitter. Criteria: LabCorp Variant Classification Summary - May 2015. Collection method: clinical testing. Allele origin: germline.
Comment: Variant summary: AKAP9 c.4519G>C (p.Asp1507His) results in a non-conservative amino acid change in the encoded protein sequence. Three of five in-silico tools predict a benign effect of the variant on protein function. The variant allele was found at a frequency of 0.00098 in 282098 control chromosomes, predominantly at a frequency of 0.0097 within the African or African-American subpopulation in the gnomAD database, including 1 homozygote. The observed variant frequency within African or African-American control individuals in the gnomAD database is approximately 2910 fold of the estimated maximal expected allele frequency for a pathogenic variant in AKAP9 causing Long QT Syndrome phenotype (3.3e-06), strongly suggesting that the variant is a benign polymorphism found primarily in populations of African or African-American origin. To our knowledge, no experimental evidence demonstrating its impact on protein function have been reported. Three ClinVar submitters (evaluation after 2014) cite the variant as benign. Based on the evidence outlined above, the variant was classified as benign.

GeneDx
Classification: Likely benign. Last evaluated: 2019-11-22. Review status: criteria provided, single submitter. Criteria: GeneDx Variant Classification Process June 2021. Collection method: clinical testing. Allele origin: germline. Affected: yes.

Center for Advanced Laboratory Medicine, UC San Diego Health, University of California San Diego
Classification: Benign for Cardiomyopathy. Last evaluated: 2017-03-22. Review status: criteria provided, single submitter. Criteria: ACMG Guidelines, 2015. Collection method: clinical testing. Allele origin: germline. Affected: yes. Observed: 1 variant allele.

Ambry Genetics
Classification: Benign for Cardiovascular phenotype. Last evaluated: 2016-05-18. Review status: criteria provided, single submitter. Criteria: Ambry Variant Classification Scheme 2023. Collection method: clinical testing. Allele origin: germline.

Biesecker Lab/Clinical Genomics Section, National Institutes of Health
Classification: Benign. Last evaluated: 2013-06-24. Review status: criteria provided, single submitter. Criteria: Ng et al. (Circ Cardiovasc Genet. 2013). Collection method: research. Allele origin: unknown. Observed: 1 variant allele. Study: ClinSeq.
Comment: The study set was not selected for affection status in relation to any cancer. Pathogenicity categories were based on literature curation. See Pubmed ID:23861362 for details.

Medical sequencing

Breakthrough Genomics
Classification: Likely benign. Review status: criteria provided, single submitter. Criteria: ACMG Guidelines, 2015. Collection method: not provided. Allele origin: germline. Inheritance: Autosomal dominant inheritance. Affected: yes.

PreventionGenetics, part of Exact Sciences
Classification: Benign for AKAP9-related condition. Last evaluated: 2024-07-04. Review status: no assertion criteria provided. Collection method: clinical testing. Allele origin: germline. Not counted in ClinVar's aggregate classification.
Comment: This variant is classified as benign based on ACMG/AMP sequence variant interpretation guidelines (Richards et al. 2015 PMID: 25741868, with internal and published modifications).